The following is an entry in ClinVar:

NM_002485.5(NBN):c.857A>G (p.Gln286Arg)

Gene: NBN (nibrin; minus strand). Cytogenetic location: 8q21.3.
Variant type: single nucleotide variant.
Coding change: c.857A>G on transcript NM_002485.5 (MANE Select); coding-DNA position 857, A replaced by G.
Protein change: p.Gln286Arg; replaces glutamine 286 with arginine.
Molecular consequence: missense variant.
Genome position (GRCh38, 1-based): chr8:89,970,403, T>C on the plus strand (A>G on the coding strand, the complement: NBN is on the minus strand). VCF-style: chr8-89970403-T-C. GRCh37 (hg19) VCF-style: chr8-90982631-T-C.
Other names: c.611A>G, p.Gln204Arg (NM_001024688.3); short protein forms Q286R, Q204R.
Identifiers: ClinVar variation 1450161 (VCV001450161.10), dbSNP rs1586086458, ClinGen allele CA371658366.
Genomic context (GRCh38, chr8:89,970,403, plus strand): 5'-TAATAAAGAATAATTCTATACCTTTGGAGCATATCCATTATTGACTGAATCCATTTCTTC[T>C]GACAGTCAGGAATTAAGGTCTGTGAGTTTGTTATTCCTGTATCAACAACACACGTTCCCG-3'
Protein context (NP_002476.2, residues 276-296): TNSQTLIPDC[Gln286Arg]KKWIQSIMDM

ClinVar aggregate classification (germline): Uncertain significance. Review status: criteria provided, multiple submitters, no conflicts (2 of 4 stars). 4 submissions from 4 submitters: Uncertain significance (4). Last evaluated 2024-07-17.

Conditions:
Acute lymphoid leukemia (ALL). Also called: Lymphoblastic leukemia; Acute lymphoblastic leukemia; Acute lymphocytic leukemia; Leukemia, acute lymphoblastic, somatic. Identifiers: Orphanet 513, MedGen C0023449, MONDO:0004967, OMIM 613065, HP:0006721.
Microcephaly, normal intelligence and immunodeficiency (NBS). Also called: BERLIN BREAKAGE SYNDROME; IMMUNODEFICIENCY, MICROCEPHALY, AND CHROMOSOMAL INSTABILITY; SEEMANOVA SYNDROME II; Immunodeficiency, microcephaly with normal intelligence; Nijmegen breakage syndrome; Microcephaly with normal intelligence immunodeficiency and lymphoreticular malignancies. Identifiers: Orphanet 647, MedGen C0398791, MONDO:0009623, OMIM 251260.
Aplastic anemia. Identifiers: Orphanet 182040, Orphanet 88, MedGen C0002874, MONDO:0015909, OMIM 609135, HP:0001915.
Hereditary cancer-predisposing syndrome. Also called: Tumor predisposition; Hereditary neoplastic syndrome; Hereditary Cancer Syndrome; Neoplastic Syndromes, Hereditary. Identifiers: Orphanet 140162, MedGen C0027672, MeSH D009386, MONDO:0015356.

Allele frequency attached by ClinVar (database versions not stated): gnomAD exomes below 0.00001.
gnomAD v4.1: 1 of 1,613,956 alleles (0.000062%); highest among the groups gnomAD compares: Non-Finnish European, 0.000085%; no homozygotes.

Submissions (4):

Quest Diagnostics Nichols Institute San Juan Capistrano
Classification: Uncertain significance. Last evaluated: 2024-07-17. Review status: criteria provided, single submitter. Criteria: Quest Diagnostics criteria. Collection method: clinical testing. Allele origin: unknown.
Comment: The NBN c.857A>G (p.Gln286Arg) variant has been reported in the published literature in in an individual with ovarian cancer as well as reportedly healthy individuals (PMID: 26315354 (2015)). This variant has not been reported in large, multi-ethnic general populations (Genome Aggregation Database). Analysis of this variant using bioinformatics tools for the prediction of the effect of amino acid changes on protein structure and function yielded predictions that this variant is benign. Based on the available information, we are unable to determine the clinical significance of this variant.

Labcorp Genetics (formerly Invitae), Labcorp
Classification: Uncertain significance for Microcephaly, normal intelligence and immunodeficiency. Last evaluated: 2021-11-11. Review status: criteria provided, single submitter. Criteria: Invitae Variant Classification Sherloc (09022015). Collection method: clinical testing. Allele origin: germline.
Comment: In summary, the available evidence is currently insufficient to determine the role of this variant in disease. Therefore, it has been classified as a Variant of Uncertain Significance. Algorithms developed to predict the effect of missense changes on protein structure and function (SIFT, PolyPhen-2, Align-GVGD) all suggest that this variant is likely to be tolerated. This variant has not been reported in the literature in individuals affected with NBN-related conditions. This variant is not present in population databases (gnomAD no frequency). This sequence change replaces glutamine, which is neutral and polar, with arginine, which is basic and polar, at codon 286 of the NBN protein (p.Gln286Arg).

Ambry Genetics
Classification: Uncertain significance for Hereditary cancer-predisposing syndrome. Last evaluated: 2021-09-14. Review status: criteria provided, single submitter. Criteria: Ambry Variant Classification Scheme 2023. Collection method: clinical testing. Allele origin: germline.
Comment: The p.Q286R variant (also known as c.857A>G), located in coding exon 7 of the NBN gene, results from an A to G substitution at nucleotide position 857. The glutamine at codon 286 is replaced by arginine, an amino acid with highly similar properties. This amino acid position is well conserved in available vertebrate species. In addition, this alteration is predicted to be tolerated by in silico analysis. Since supporting evidence is limited at this time, the clinical significance of this alteration remains unclear.

Fulgent Genetics
Classification: Uncertain significance for Microcephaly, normal intelligence and immunodeficiency; Aplastic anemia; Acute lymphoid leukemia. Last evaluated: 2021-07-27. Review status: criteria provided, single submitter. Criteria: ACMG Guidelines, 2015. Collection method: clinical testing. Allele origin: unknown.

Literature cited by the submitters: PubMed 26315354 (cited by Quest Diagnostics Nichols Institute San Juan Capistrano).